The following is an entry in ClinVar:

ClinVar aggregate classification (germline): Likely pathogenic. Review status: criteria provided, single submitter (1 of 4 stars). 2 submissions from 2 submitters: Likely pathogenic (1). 1 of the submissions does not count toward it. Last evaluated 2025-04-03.

Conditions:
Primary ciliary dyskinesia. Also called: Ciliary dyskinesia. Identifiers: Orphanet 244, MedGen C0008780, MONDO:0016575, HP:0012265.
Kartagener syndrome (CILD1). Also called: CILIARY DYSKINESIA, PRIMARY, 1; Dextrocardia bronchiectasis and sinusitis; SIEWERT SYNDROME; CILIARY DYSKINESIA, PRIMARY, 1, WITH OR WITHOUT SITUS INVERSUS; IMMOTILE CILIA SYNDROME; POLYNESIAN BRONCHIECTASIS. Identifiers: Orphanet 244, MedGen C4551906, MONDO:0009484, OMIM 244400.

Submissions (2):

Natera, Inc.
Classification: Likely pathogenic for Primary ciliary dyskinesia. Last evaluated: 2025-04-03. Review status: criteria provided, single submitter. Criteria: Natera Variant Classification Schema (03/2026). Collection method: clinical testing. Allele origin: germline.
Comment: The c.1355_1357delTCT variant in DNAI1 is an in-frame deletion predicted to remove phenylalanine at amino acid 452 while preserving the reading frame. This variant is rare in the general population with a frequency below the threshold expected for the associated phenotype(s). This variant has been observed in one or more individuals affected with the associated recessive disease, as either homozygous or compound heterozygous with a second variant (PMID: 36003331). This variant results in a change to the protein length while preserving reading frame, which may disrupt normal protein structure or function. Computational prediction algorithms indicate this variant is likely to affect gene or protein function. Given the available evidence, this variant is classified as Likely Pathogenic.

Department of Medical Genetics, Tarbiat Modares University
Classification: Uncertain significance for Kartagener syndrome. Review status: no assertion criteria provided. Collection method: clinical testing. Allele origin: germline. Affected: yes. Not counted in ClinVar's aggregate classification.

Literature cited by the submitters: PubMed 36003331 (cited by Natera, Inc.).

NM_012144.4(DNAI1):c.1352TCT[1] (p.Phe452del)

Gene: DNAI1 (dynein axonemal intermediate chain 1; plus strand). Cytogenetic location: 9p13.3.
Variant type: Microsatellite.
Coding change: c.1352TCT[1] on transcript NM_012144.4 (MANE Select); one copy of the 3-base unit TCT starting at c.1352; the reference has two copies in a row; one copy, 3 bases deleted; also written c.1355_1357del.
Protein change: p.Phe452del; deletes phenylalanine 452.
Molecular consequence: inframe deletion.
Genome position (GRCh38, 1-based): chr9:34,512,152-34,512,154, TCT deleted; deleting any 3 consecutive bases within chr9:34,512,147-34,512,154 gives the same sequence; the position shown is the placement nearest the transcript's 3' end. VCF-style (leftmost placement, unchanged base first): chr9-34512146-ACTT-A. GRCh37 (hg19) VCF-style: chr9-34512144-ACTT-A.
Other names: c.1355_1357del (NM_012144.4); c.1355_1357delTCT (NM_012144.3); c.1364TCT[1], p.Phe456del (NM_001281428.2); short protein forms F452del, F456del.
Identifiers: ClinVar variation 1343810 (VCV001343810.3), dbSNP rs759609265, ClinGen allele CA5034361.